The following is an entry in ClinVar:

ClinVar aggregate classification (germline): Uncertain significance. Review status: criteria provided, multiple submitters, no conflicts (2 of 4 stars). 2 submissions from 2 submitters: Uncertain significance (2). Last evaluated 2025-06-03.

Conditions:
Cardiovascular phenotype. Identifiers: MedGen CN230736.
Long QT syndrome (LQTS). Identifiers: MedGen C0023976, MeSH D008133, MONDO:0002442. Disease mechanism: loss of function. Inheritance: Various modes of inheritance.

Allele frequency attached by ClinVar (database versions not stated): gnomAD 0.00003; TOPMed 0.00003.

Submissions (2):

Labcorp Genetics (formerly Invitae), Labcorp
Classification: Uncertain significance for Long QT syndrome. Last evaluated: 2025-06-03. Review status: criteria provided, single submitter. Criteria: Invitae Variant Classification Sherloc (09022015). Collection method: clinical testing. Allele origin: germline.
Comment: This sequence change replaces serine, which is neutral and polar, with glycine, which is neutral and non-polar, at codon 538 of the AKAP9 protein (p.Ser538Gly). This variant is not present in population databases (gnomAD no frequency). This variant has not been reported in the literature in individuals affected with AKAP9-related conditions. ClinVar contains an entry for this variant (Variation ID: 2833995). An algorithm developed to predict the effect of missense changes on protein structure and function (PolyPhen-2) suggests that this variant is likely to be tolerated. In summary, the available evidence is currently insufficient to determine the role of this variant in disease. Therefore, it has been classified as a Variant of Uncertain Significance.

Ambry Genetics
Classification: Uncertain significance for Cardiovascular phenotype. Last evaluated: 2023-12-03. Review status: criteria provided, single submitter. Criteria: Ambry Variant Classification Scheme 2023. Collection method: clinical testing. Allele origin: germline.
Comment: The p.S538G variant (also known as c.1612A>G), located in coding exon 8 of the AKAP9 gene, results from an A to G substitution at nucleotide position 1612. The serine at codon 538 is replaced by glycine, an amino acid with similar properties. This amino acid position is conserved. In addition, this alteration is predicted to be tolerated by in silico analysis. Since supporting evidence is limited at this time, the clinical significance of this alteration remains unclear.

NM_005751.5(AKAP9):c.1612A>G (p.Ser538Gly)

Gene: AKAP9 (A-kinase anchoring protein 9; plus strand). Cytogenetic location: 7q21.2.
Variant type: single nucleotide variant.
Coding change: c.1612A>G on transcript NM_005751.5 (MANE Select); coding-DNA position 1612, A replaced by G.
Protein change: p.Ser538Gly; replaces serine 538 with glycine.
Molecular consequence: missense variant.
Genome position (GRCh38, 1-based): chr7:92,001,529, A>G. VCF-style: chr7-92001529-A-G. GRCh37 (hg19) VCF-style: chr7-91630843-A-G.
Other names: c.1612A>G, p.Ser538Gly (NM_147185.3); short protein forms S538G.
Identifiers: ClinVar variation 2833995 (VCV002833995.4), dbSNP rs1799184253, ClinGen allele CA368122184.